The following is an entry in ClinVar:

ClinVar aggregate classification (germline): Uncertain significance. Review status: criteria provided, multiple submitters, no conflicts (2 of 4 stars). 4 submissions from 4 submitters: Uncertain significance (4). Last evaluated 2025-11-19.

Conditions:
Inborn genetic diseases. Identifiers: MedGen C0950123, MeSH D030342.

Allele frequency attached by ClinVar (database versions not stated): gnomAD exomes below 0.00001 and 0.00001; ExAC 0.00002; gnomAD 0.00004 and 0.00005; TOPMed 0.00006; 1000 Genomes Project 30x 0.00031; 1000 Genomes Project 0.00040.
gnomAD v4.1: 11 of 1,599,318 alleles (0.00069%); highest among the groups gnomAD compares: African/African-American, 0.015%; no homozygotes.

Submissions (4):

Ambry Genetics
Classification: Uncertain significance for Inborn genetic diseases. Last evaluated: 2025-11-19. Review status: criteria provided, single submitter. Criteria: Ambry Variant Classification Scheme 2023. Collection method: clinical testing. Allele origin: germline.

Blueprint Genetics
Classification: Uncertain significance. Last evaluated: 2024-04-24. Review status: criteria provided, single submitter. Criteria: ACMG Guidelines, 2015. Collection method: clinical testing. Allele origin: germline.

Labcorp Genetics (formerly Invitae), Labcorp
Classification: Uncertain significance. Last evaluated: 2023-02-18. Review status: criteria provided, single submitter. Criteria: Invitae Variant Classification Sherloc (09022015). Collection method: clinical testing. Allele origin: germline.
Comment: ClinVar contains an entry for this variant (Variation ID: 1208356). This sequence change replaces phenylalanine, which is neutral and non-polar, with serine, which is neutral and polar, at codon 808 of the MYO3A protein (p.Phe808Ser). This variant is present in population databases (rs187273590, gnomAD 0.03%). This variant has not been reported in the literature in individuals affected with MYO3A-related conditions. Advanced modeling of protein sequence and biophysical properties (such as structural, functional, and spatial information, amino acid conservation, physicochemical variation, residue mobility, and thermodynamic stability) performed at Invitae indicates that this missense variant is expected to disrupt MYO3A protein function. In summary, the available evidence is currently insufficient to determine the role of this variant in disease. Therefore, it has been classified as a Variant of Uncertain Significance.

GeneDx
Classification: Uncertain significance. Last evaluated: 2022-06-01. Review status: criteria provided, single submitter. Criteria: GeneDx Variant Classification Process June 2021. Collection method: clinical testing. Allele origin: germline. Affected: yes.
Comment: In silico analysis supports that this missense variant has a deleterious effect on protein structure/function; Has not been previously published as pathogenic or benign to our knowledge

NM_017433.5(MYO3A):c.2423T>C (p.Phe808Ser)

Gene: MYO3A (myosin IIIA; plus strand). Cytogenetic location: 10p12.1.
Variant type: single nucleotide variant.
Coding change: c.2423T>C on transcript NM_017433.5 (MANE Select); coding-DNA position 2423, T replaced by C.
Protein change: p.Phe808Ser; replaces phenylalanine 808 with serine.
Molecular consequence: missense variant.
Genome position (GRCh38, 1-based): chr10:26,145,452, T>C. VCF-style: chr10-26145452-T-C. GRCh37 (hg19) VCF-style: chr10-26434381-T-C.
Other names: short protein forms F808S.
Identifiers: ClinVar variation 1208356 (VCV001208356.14), dbSNP rs187273590, ClinGen allele CA5444964.